The following is an entry in ClinVar:

NM_014727.3(KMT2B):c.5992C>G (p.Leu1998Val)

Gene: KMT2B (lysine methyltransferase 2B; plus strand). Cytogenetic location: 19q13.12.
Variant type: single nucleotide variant.
Coding change: c.5992C>G on transcript NM_014727.3 (MANE Select); coding-DNA position 5992, C replaced by G.
Protein change: p.Leu1998Val; replaces leucine 1998 with valine.
Molecular consequence: missense variant.
Genome position (GRCh38, 1-based): chr19:35,732,541, C>G. VCF-style: chr19-35732541-C-G. GRCh37 (hg19) VCF-style: chr19-36223442-C-G.
Other names: short protein forms L1998V.
Identifiers: ClinVar variation 3373319 (VCV003373319.1).

ClinVar aggregate classification (germline): Uncertain significance (1 of 4 stars; one submission).

Submission:

GeneDx
Classification: Uncertain significance. Last evaluated: 2024-04-30. Review status: criteria provided, single submitter. Criteria: GeneDx Variant Classification Process June 2021. Collection method: clinical testing. Allele origin: germline. Affected: yes.
Comment: Not observed at significant frequency in large population cohorts (gnomAD); In silico analysis indicates that this missense variant does not alter protein structure/function; Has not been previously published as pathogenic or benign to our knowledge